The following is an entry in ClinVar:

NM_001005373.4(LRSAM1):c.1831G>A (p.Val611Met)

Gene: LRSAM1 (leucine rich repeat and sterile alpha motif containing 1; plus strand). Cytogenetic location: 9q33.3.
Variant type: single nucleotide variant.
Coding change: c.1831G>A on transcript NM_001005373.4 (MANE Select); coding-DNA position 1831, G replaced by A.
Protein change: p.Val611Met; replaces valine 611 with methionine.
Molecular consequence: missense variant. On other transcripts: non-coding transcript variant (2).
Genome position (GRCh38, 1-based): chr9:127,497,253, G>A. VCF-style: chr9-127497253-G-A. GRCh37 (hg19) VCF-style: chr9-130259532-G-A.
Other names: p.Val611Met; c.1831G>A, p.Val611Met (NM_001005374.4, NM_001384142.1, NM_138361.5); c.1750G>A, p.Val584Met (NM_001190723.3); c.1732G>A, p.Val578Met (NM_001384143.1); c.1042G>A, p.Val348Met (NM_001384144.1); c.1831G>A (NM_138361.4); short protein forms V584M, V611M, V348M, V578M.
Identifiers: ClinVar variation 837956 (VCV000837956.13), dbSNP rs771783337, ClinGen allele CA5247160.

ClinVar aggregate classification (germline): Uncertain significance. Review status: criteria provided, multiple submitters, no conflicts (2 of 4 stars). 3 submissions from 3 submitters: Uncertain significance (3). Last evaluated 2025-10-18.

Conditions:
Inborn genetic diseases. Identifiers: MedGen C0950123, MeSH D030342.
Charcot-Marie-Tooth disease axonal type 2P. Also called: CHARCOT-MARIE-TOOTH NEUROPATHY, TYPE 2P; CHARCOT-MARIE-TOOTH DISEASE, AXONAL, TYPE 2G; CMT 2G; Charcot-Marie-Tooth Neuropathy Type 2G. Identifiers: Orphanet 300319, Orphanet 99941, MedGen C3280797, MONDO:0013753, OMIM 614436.

Allele frequency attached by ClinVar (database versions not stated): gnomAD below 0.00001 and 0.00001; TOPMed 0.00001; gnomAD exomes 0.00008; ExAC 0.00009.
gnomAD v4.1: 84 of 1,613,028 alleles (0.0052%); highest among the groups gnomAD compares: South Asian, 0.075%; 1 homozygote.

Submissions (3):

Ambry Genetics
Classification: Uncertain significance for Inborn genetic diseases. Last evaluated: 2025-10-18. Review status: criteria provided, single submitter. Criteria: Ambry Variant Classification Scheme 2023. Collection method: clinical testing. Allele origin: germline.

Labcorp Genetics (formerly Invitae), Labcorp
Classification: Uncertain significance for Charcot-Marie-Tooth disease axonal type 2P. Last evaluated: 2023-10-22. Review status: criteria provided, single submitter. Criteria: Invitae Variant Classification Sherloc (09022015). Collection method: clinical testing. Allele origin: germline.
Comment: This sequence change replaces valine, which is neutral and non-polar, with methionine, which is neutral and non-polar, at codon 611 of the LRSAM1 protein (p.Val611Met). This variant is present in population databases (rs771783337, gnomAD 0.07%). This variant has not been reported in the literature in individuals affected with LRSAM1-related conditions. ClinVar contains an entry for this variant (Variation ID: 837956). Algorithms developed to predict the effect of missense changes on protein structure and function output the following: SIFT: "Not Available"; PolyPhen-2: "Benign"; Align-GVGD: "Not Available". The methionine amino acid residue is found in multiple mammalian species, which suggests that this missense change does not adversely affect protein function. Algorithms developed to predict the effect of sequence changes on RNA splicing suggest that this variant may disrupt the consensus splice site. In summary, the available evidence is currently insufficient to determine the role of this variant in disease. Therefore, it has been classified as a Variant of Uncertain Significance.

Mayo Clinic Laboratories, Mayo Clinic
Classification: Uncertain significance. Last evaluated: 2022-12-07. Review status: criteria provided, single submitter. Criteria: ACMG Guidelines, 2015. Collection method: clinical testing. Allele origin: germline. Observed: 1 variant allele.
Comment: BP4